The following is an entry in ClinVar:

ClinVar aggregate classification (germline): Likely pathogenic (1 of 4 stars; one submission).

Conditions:
Nemaline myopathy 2 (NEM2). Also called: Nemaline myopathy 2, autosomal recessive. Identifiers: MedGen C1850569, MONDO:0009725, OMIM 256030.

Submission:

Myriad Genetics, Inc.
Classification: Likely pathogenic for Nemaline myopathy 2. Last evaluated: 2022-02-07. Review status: criteria provided, single submitter. Criteria: Myriad Women's Health Autosomal Recessive and X-Linked Classification Criteria (2021). Collection method: clinical testing. Allele origin: unknown.
Comment: NM_001271208.1(NEB):c.21849T>A(Y7283*) is expected to be pathogenic in the context of NEB-related nemaline myopathy. This variant is predicted to lead to an abnormal or absent protein product due to the creation of a premature termination codon in NEB, a gene where loss-of-function variants are known to be pathogenic. Please note: this variant was assessed in the context of healthy population screening.

NM_001164508.2(NEB):c.21744T>A (p.Tyr7248Ter)

Genes: NEB (nebulin; minus strand), RIF1 (replication timing regulatory factor 1; plus strand). Cytogenetic location: 2q23.3.
Variant type: single nucleotide variant.
Coding change: c.21744T>A on transcript NM_001164508.2 (MANE Select); coding-DNA position 21744, T replaced by A.
Protein change: p.Tyr7248Ter; replaces tyrosine 7248 with a stop codon.
Molecular consequence: nonsense.
Genome position (GRCh38, 1-based): chr2:151,527,577, A>T on the plus strand (T>A on the coding strand, the complement: NEB is on the minus strand). VCF-style: chr2-151527577-A-T. GRCh37 (hg19) VCF-style: chr2-152384091-A-T.
Other names: c.21744T>A, p.Tyr7248Ter (NM_001164507.2); c.21849T>A, p.Tyr7283Ter (NM_001271208.2); c.16641T>A, p.Tyr5547Ter (NM_004543.5); short protein forms Y5547*, Y7248*, Y7283*.
Identifiers: ClinVar variation 1724338 (VCV001724338.2), dbSNP rs2087109946, ClinGen allele CA348769138.